The following is an entry in ClinVar:

ClinVar aggregate classification (germline): Conflicting classifications of pathogenicity. Review status: criteria provided, conflicting classifications (1 of 4 stars). 4 submissions from 4 submitters: Uncertain significance (1); Benign (1); Likely benign (2). Last evaluated 2025-10-16.

Conditions:
Adams-Oliver syndrome 5 (AOS5). Identifiers: Orphanet 974, MedGen C4014970, MONDO:0014459, OMIM 616028.
Familial thoracic aortic aneurysm and aortic dissection (TAAD). Also called: Thoracic aortic aneurysms and dissections. Identifiers: Orphanet 91387, MedGen C4707243, MONDO:0019625.

Allele frequency attached by ClinVar (database versions not stated): TOPMed 0.00002; ExAC 0.00003; gnomAD exomes 0.00004.
gnomAD v4.1: 24 of 1,602,982 alleles (0.0015%); highest among the groups gnomAD compares: Middle Eastern, 0.016%; no homozygotes.

Submissions (4):

Labcorp Genetics (formerly Invitae), Labcorp
Classification: Benign for Adams-Oliver syndrome 5. Last evaluated: 2025-10-16. Review status: criteria provided, single submitter. Criteria: Invitae Variant Classification Sherloc (09022015). Collection method: clinical testing. Allele origin: germline.

ARUP Laboratories, Molecular Genetics and Genomics, ARUP Laboratories
Classification: Uncertain significance. Last evaluated: 2025-02-13. Review status: criteria provided, single submitter. Criteria: ARUP Molecular Germline Variant Investigation Process 2024. Collection method: clinical testing. Allele origin: germline.
Comment: The NOTCH1 c.1206G>A; p.Ser402= variant (rs746848165), to our knowledge, is not reported in the medical literature but is reported in ClinVar (Variation ID: 1203865). This variant is found in the Admixed American population with an allele frequency of 0.018% (6/33474 alleles) in the Genome Aggregation Database (v2.1.1). This is a synonymous variant and computational analyses (Alamut Visual Plus v.1.12) predict that this variant may impact splicing by creating a novel cryptic acceptor splice site. Due to limited information, the clinical significance of this variant is uncertain at this time.

Ambry Genetics
Classification: Likely benign for Familial thoracic aortic aneurysm and aortic dissection. Last evaluated: 2022-05-30. Review status: criteria provided, single submitter. Criteria: Ambry Variant Classification Scheme 2023. Collection method: clinical testing. Allele origin: germline.

GeneDx
Classification: Likely benign. Last evaluated: 2021-07-26. Review status: criteria provided, single submitter. Criteria: GeneDx Variant Classification Process June 2021. Collection method: clinical testing. Allele origin: germline. Affected: yes.

NM_017617.5(NOTCH1):c.1206G>A (p.Ser402=)

Gene: NOTCH1 (notch receptor 1; minus strand). Cytogenetic location: 9q34.3.
Variant type: single nucleotide variant.
Coding change: c.1206G>A on transcript NM_017617.5 (MANE Select); coding-DNA position 1206, G replaced by A.
Protein change: p.Ser402=; no amino-acid change (serine 402 retained).
Molecular consequence: synonymous variant.
Genome position (GRCh38, 1-based): chr9:136,518,186, C>T on the plus strand (G>A on the coding strand, the complement: NOTCH1 is on the minus strand). VCF-style: chr9-136518186-C-T. GRCh37 (hg19) VCF-style: chr9-139412638-C-T.
Identifiers: ClinVar variation 1203865 (VCV001203865.12), dbSNP rs746848165, ClinGen allele CA5341887.